The following is an entry in ClinVar:

ClinVar aggregate classification (germline): Uncertain significance (1 of 4 stars; one submission).

Conditions:
Arrhythmogenic cardiomyopathy with wooly hair and keratoderma. Also called: PALMOPLANTAR KERATODERMA WITH LEFT VENTRICULAR CARDIOMYOPATHY AND WOOLLY HAIR; Carvajal syndrome; Dilated cardiomyopathy with woolly hair and keratoderma; Arrhythmogenic cardiomyopathy with woolly hair and keratoderma. Identifiers: Orphanet 65282, MedGen C1854063, MONDO:0011581, OMIM 605676.
Arrhythmogenic right ventricular dysplasia 8 (ARVD8). Also called: Arrhythmogenic Right Ventricular Dysplasia/Cardiomyopathy 8; ARRHYTHMOGENIC RIGHT VENTRICULAR DYSPLASIA, FAMILIAL, 8; ARRHYTHMOGENIC RIGHT VENTRICULAR CARDIOMYOPATHY 8. Identifiers: MedGen C1843896, MONDO:0011831, OMIM 607450.

Submission:

Labcorp Genetics (formerly Invitae), Labcorp
Classification: Uncertain significance for Arrhythmogenic cardiomyopathy with wooly hair and keratoderma; Arrhythmogenic right ventricular dysplasia 8. Last evaluated: 2023-07-10. Review status: criteria provided, single submitter. Criteria: Invitae Variant Classification Sherloc (09022015). Collection method: clinical testing. Allele origin: germline.
Comment: In summary, the available evidence is currently insufficient to determine the role of this variant in disease. Therefore, it has been classified as a Variant of Uncertain Significance. An algorithm developed to predict the effect of missense changes on protein structure and function (PolyPhen-2) suggests that this variant is likely to be disruptive. This variant has not been reported in the literature in individuals affected with DSP-related conditions. This variant is not present in population databases (gnomAD no frequency). This sequence change replaces serine, which is neutral and polar, with proline, which is neutral and non-polar, at codon 2349 of the DSP protein (p.Ser2349Pro).

NM_004415.4(DSP):c.7045T>C (p.Ser2349Pro)

Gene: DSP (desmoplakin; plus strand). Cytogenetic location: 6p24.3.
Variant type: single nucleotide variant.
Coding change: c.7045T>C on transcript NM_004415.4 (MANE Select); coding-DNA position 7045, T replaced by C.
Protein change: p.Ser2349Pro; replaces serine 2349 with proline.
Molecular consequence: missense variant.
Genome position (GRCh38, 1-based): chr6:7,584,307, T>C. VCF-style: chr6-7584307-T-C. GRCh37 (hg19) VCF-style: chr6-7584540-T-C.
Other names: c.5248T>C, p.Ser1750Pro (NM_001008844.3); c.5716T>C, p.Ser1906Pro (NM_001319034.2); short protein forms S1906P, S1750P, S2349P.
Identifiers: ClinVar variation 2939260 (VCV002939260.3), dbSNP rs2533943650, ClinGen allele CA362692107.